The following is an entry in ClinVar:

NM_006904.7(PRKDC):c.10810A>C (p.Lys3604Gln)

Gene: PRKDC (protein kinase, DNA-activated, catalytic subunit; minus strand). Cytogenetic location: 8q11.21.
Variant type: single nucleotide variant.
Coding change: c.10810A>C on transcript NM_006904.7 (MANE Select); coding-DNA position 10810, A replaced by C.
Protein change: p.Lys3604Gln; replaces lysine 3604 with glutamine.
Molecular consequence: missense variant.
Genome position (GRCh38, 1-based): chr8:47,788,998, T>G on the plus strand (A>C on the coding strand, the complement: PRKDC is on the minus strand). VCF-style: chr8-47788998-T-G. GRCh37 (hg19) VCF-style: chr8-48701559-T-G.
Other names: c.10810A>C, p.Lys3604Gln (NM_001081640.2); short protein forms K3604Q.
Identifiers: ClinVar variation 2626311 (VCV002626311.2), dbSNP rs1311435211, ClinGen allele CA371132198.

ClinVar aggregate classification (germline): Uncertain significance (1 of 4 stars; one submission).

Submission:

Ambry Genetics
Classification: Uncertain significance. Last evaluated: 2023-06-17. Review status: criteria provided, single submitter. Criteria: Ambry Variant Classification Scheme 2023. Collection method: clinical testing. Allele origin: germline.
Comment: The p.K3604Q variant (also known as c.10810A>C), located in coding exon 76 of the PRKDC gene, results from an A to C substitution at nucleotide position 10810. The lysine at codon 3604 is replaced by glutamine, an amino acid with similar properties. This amino acid position is conserved. In addition, this alteration is predicted to be tolerated by in silico analysis. Since supporting evidence is limited at this time, the clinical significance of this alteration remains unclear.